The following is an entry in ClinVar:

NM_021815.5(SLC5A7):c.1137G>C (p.Trp379Cys)

Gene: SLC5A7 (solute carrier family 5 member 7; plus strand). Cytogenetic location: 2q12.3.
Variant type: single nucleotide variant.
Coding change: c.1137G>C on transcript NM_021815.5 (MANE Select); coding-DNA position 1137, G replaced by C.
Protein change: p.Trp379Cys; replaces tryptophan 379 with cysteine.
Molecular consequence: missense variant.
Genome position (GRCh38, 1-based): chr2:108,010,255, G>C. VCF-style: chr2-108010255-G-C. GRCh37 (hg19) VCF-style: chr2-108626711-G-C.
Other names: c.1137G>C, p.Trp379Cys (NM_001305005.3); c.822G>C, p.Trp274Cys (NM_001305006.3); c.396G>C, p.Trp132Cys (NM_001305007.3); short protein forms W132C, W274C, W379C.
Identifiers: ClinVar variation 3763128 (VCV003763128.2).

ClinVar aggregate classification (germline): Uncertain significance (1 of 4 stars; one submission).

Conditions:
Congenital myasthenic syndrome 20. Also called: Myasthenic syndrome, congenital, 20, presynaptic. Identifiers: MedGen C4310694, MONDO:0014939, OMIM 617143.
Neuronopathy, distal hereditary motor, type 7A. Also called: HARPER-YOUNG MYOPATHY; HMN VIIA; Neuronopathy, distal hereditary motor, type viia; SPINAL MUSCULAR ATROPHY, DISTAL, WITH VOCAL CORD PARALYSIS; NEURONOPATHY, DISTAL HEREDITARY MOTOR, HARDING TYPE VIIA; NEUROPATHY, DISTAL HEREDITARY MOTOR, HARDING TYPE VIIA. Identifiers: Orphanet 139589, MedGen C1834703, MONDO:0008024, OMIM 158580.

Submission:

Labcorp Genetics (formerly Invitae), Labcorp
Classification: Uncertain significance for Neuronopathy, distal hereditary motor, type 7A; Congenital myasthenic syndrome 20. Last evaluated: 2025-09-30. Review status: criteria provided, single submitter. Criteria: Invitae Variant Classification Sherloc (09022015). Collection method: clinical testing. Allele origin: germline.
Comment: This sequence change replaces tryptophan, which is neutral and slightly polar, with cysteine, which is neutral and slightly polar, at codon 379 of the SLC5A7 protein (p.Trp379Cys). This variant is present in population databases (rs371177364, gnomAD 0.0009%). This variant has not been reported in the literature in individuals affected with SLC5A7-related conditions. ClinVar contains an entry for this variant (Variation ID: 3763128). Invitae Evidence Modeling of protein sequence and biophysical properties (such as structural, functional, and spatial information, amino acid conservation, physicochemical variation, residue mobility, and thermodynamic stability) indicates that this missense variant is not expected to disrupt SLC5A7 protein function with a negative predictive value of 80%. In summary, the available evidence is currently insufficient to determine the role of this variant in disease. Therefore, it has been classified as a Variant of Uncertain Significance.